The following is an entry in ClinVar:

NM_000352.6(ABCC8):c.1630+8C>T

Gene: ABCC8 (ATP binding cassette subfamily C member 8; minus strand). Cytogenetic location: 11p15.1.
Variant type: single nucleotide variant.
Coding change: c.1630+8C>T on transcript NM_000352.6 (MANE Select); 8 bases into the intron after coding-DNA position 1630, C replaced by T.
Molecular consequence: intron variant.
Genome position (GRCh38, 1-based): chr11:17,442,712, G>A on the plus strand (C>T on the coding strand, the complement: ABCC8 is on the minus strand). VCF-style: chr11-17442712-G-A. GRCh37 (hg19) VCF-style: chr11-17464259-G-A.
Other names: c.1627+8C>T (NM_001351297.2, NM_001351296.2); c.1630+8C>T (NM_001351295.2, NM_001287174.3).
Identifiers: ClinVar variation 878289 (VCV000878289.18), dbSNP rs200053398, ClinGen allele CA5903511.

ClinVar aggregate classification (germline): Conflicting classifications of pathogenicity. Review status: criteria provided, conflicting classifications (1 of 4 stars). 8 submissions from 5 submitters: Uncertain significance (4); Likely benign (4). Last evaluated 2026-01-11.

Conditions:
Transitory neonatal diabetes mellitus. Also called: Transient neonatal diabetes mellitus. Identifiers: MedGen C0342273, MONDO:0020525, HP:0008255.
Maturity-onset diabetes of the young (MODY). Also called: Maturity onset diabetes mellitus in young. Identifiers: Orphanet 552, MedGen C0342276, MONDO:0018911, HP:0004904.
Diabetes mellitus, transient neonatal, 2 (TNDM2). Identifiers: Orphanet 99886, MedGen C1835887, MONDO:0012480, OMIM 610374. Disease mechanism: loss of function.
Permanent neonatal diabetes mellitus (PNDM). Identifiers: Orphanet 99885, MedGen C1833104, MONDO:0100164, MONDO:0011643. Disease mechanism: gain of function.
Hyperinsulinemic hypoglycemia, familial, 1 (HHF1). Also called: Persistent hyperinsulinemic hypoglycemia of infancy; Persistent Hyperinsulinemia Hypoglycemia of Infancy; HYPERINSULINISM, FAMILIAL, WITH PANCREATIC NESIDIOBLASTOSIS; HYPOGLYCEMIA, HYPERINSULINEMIC, OF INFANCY; NESIDIOBLASTOSIS OF PANCREAS. Identifiers: Orphanet 276575, Orphanet 276598, MedGen C2931832, MONDO:0009734, OMIM 256450.

Allele frequency attached by ClinVar (database versions not stated): gnomAD exomes 0.00002 and 0.00005; ExAC 0.00003; ESP Exome Variant Server 0.00008; TOPMed 0.00014; 1000 Genomes Project 0.00020; gnomAD 0.00023 and 0.00024; 1000 Genomes Project 30x 0.00031.
gnomAD v4.1: 62 of 1,613,186 alleles (0.0038%); highest among the groups gnomAD compares: African/African-American, 0.076%; no homozygotes.

Submissions (8):

Labcorp Genetics (formerly Invitae), Labcorp
Classification: Likely benign. Last evaluated: 2026-01-11. Review status: criteria provided, single submitter. Criteria: Invitae Variant Classification Sherloc (09022015). Collection method: clinical testing. Allele origin: germline.

Women's Health and Genetics/Laboratory Corporation of America, LabCorp
Classification: Likely benign. Last evaluated: 2025-04-15. Review status: criteria provided, single submitter. Criteria: LabCorp Variant Classification Summary - May 2015. Collection method: clinical testing. Allele origin: germline.

Genetic Services Laboratory, University of Chicago
Classification: Likely benign. Last evaluated: 2019-11-22. Review status: criteria provided, single submitter. Criteria: ACMG Guidelines, 2015. Collection method: clinical testing. Allele origin: germline. Affected: no.

Illumina Laboratory Services, Illumina
Classification: Likely benign for Diabetes mellitus, transient neonatal, 2. Last evaluated: 2018-01-13. Review status: criteria provided, single submitter. Criteria: ICSL Variant Classification Criteria 13 December 2019. Collection method: clinical testing. Allele origin: germline.
Comment: This variant was observed in the ICSL laboratory as part of a predisposition screen in an ostensibly healthy population. It had not been previously curated by ICSL or reported in the Human Gene Mutation Database (HGMD: prior to June 1st, 2018), and was therefore a candidate for classification through an automated scoring system. Utilizing variant allele frequency, disease prevalence and penetrance estimates, and inheritance mode, an automated score was calculated to assess if this variant is too frequent to cause the disease. Based on the score and internal cut-off values, a variant classified as likely benign is not then subjected to further curation. The score for this variant resulted in a classification of likely benign for this disease.

Illumina Laboratory Services, Illumina
Classification: Uncertain significance for Permanent neonatal diabetes mellitus 1. Last evaluated: 2018-01-13. Review status: criteria provided, single submitter. Criteria: ICSL Variant Classification Criteria 13 December 2019. Collection method: clinical testing. Allele origin: germline.

Illumina Laboratory Services, Illumina
Classification: Uncertain significance for Hyperinsulinemic hypoglycemia, familial, 1. Last evaluated: 2018-01-13. Review status: criteria provided, single submitter. Criteria: ICSL Variant Classification Criteria 13 December 2019. Collection method: clinical testing. Allele origin: germline.

Clinical Genomics, Uppaluri K&H Personalized Medicine Clinic
Classification: Uncertain significance for Transitory neonatal diabetes mellitus. Review status: criteria provided, single submitter. Criteria: K & H Uppaluri Personalized Medicine Clinic Variant Classification & Assertion Criteria_Updated V.1. Collection method: research. Allele origin: unknown. Inheritance: Somatic mutation.
Comment: Mutations in ABCC8 gene are associated with both neonatal diabetes mellitus as well as MODY. Patients with this mutation may have a better response to sulfonylureas. However, no sufficient evidence is found to ascertain the role of this particular variant ( rs200053398) in neonatal diabetes yet.

Clinical Genomics, Uppaluri K&H Personalized Medicine Clinic
Classification: Uncertain significance for Maturity-onset diabetes of the young. Review status: criteria provided, single submitter. Criteria: K & H Uppaluri Personalized Medicine Clinic Variant Classification & Assertion Criteria_Updated V.1. Collection method: research. Allele origin: unknown. Inheritance: Somatic mutation.
Comment: Mutations in ABCC8 gene are associated with both neonatal diabetes mellitus as well as MODY. Patients with this mutation may have a better response to sulfonylureas. However, no sufficient evidence is found to ascertain the role of this particular variant ( rs200053398) in MODY yet.

Literature cited by the submitters: PubMed 16885549 (cited by Clinical Genomics, Uppaluri K&H Personalized Medicine Clinic); PubMed 21989597 (cited by Clinical Genomics, Uppaluri K&H Personalized Medicine Clinic); PubMed 27538677 (cited by Clinical Genomics, Uppaluri K&H Personalized Medicine Clinic); PubMed 18981553 (cited by Clinical Genomics, Uppaluri K&H Personalized Medicine Clinic); PubMed 32027066 (cited by Clinical Genomics, Uppaluri K&H Personalized Medicine Clinic); PubMed 16613899 (cited by Clinical Genomics, Uppaluri K&H Personalized Medicine Clinic); PubMed 18025408 (cited by Clinical Genomics, Uppaluri K&H Personalized Medicine Clinic); PubMed 32792356 (cited by Clinical Genomics, Uppaluri K&H Personalized Medicine Clinic).